The following is an entry in ClinVar:

ClinVar aggregate classification (germline): Uncertain significance. Review status: criteria provided, multiple submitters, no conflicts (2 of 4 stars). 2 submissions from 2 submitters: Uncertain significance (2). Last evaluated 2025-10-22.

Conditions:
Inborn genetic diseases. Identifiers: MedGen C0950123, MeSH D030342.
Wiskott-Aldrich syndrome 2 (WAS2). Also called: WIPF1 DEFICIENCY. Identifiers: Orphanet 906, MedGen C3281001, MONDO:0013779, OMIM 614493.

Allele frequency attached by ClinVar (database versions not stated): gnomAD exomes below 0.00001; TOPMed 0.00002; gnomAD 0.00003.
gnomAD v4.1: 8 of 1,613,910 alleles (0.0005%); highest among the groups gnomAD compares: Middle Eastern, 0.016%; no homozygotes.

Submissions (2):

Ambry Genetics
Classification: Uncertain significance for Inborn genetic diseases. Last evaluated: 2025-10-22. Review status: criteria provided, single submitter. Criteria: Ambry Variant Classification Scheme 2023. Collection method: clinical testing. Allele origin: germline.

Labcorp Genetics (formerly Invitae), Labcorp
Classification: Uncertain significance for Wiskott-Aldrich syndrome 2. Last evaluated: 2022-02-09. Review status: criteria provided, single submitter. Criteria: Invitae Variant Classification Sherloc (09022015). Collection method: clinical testing. Allele origin: germline.
Comment: This sequence change replaces arginine with tryptophan at codon 485 of the WIPF1 protein (p.Arg485Trp). The arginine residue is highly conserved and there is a moderate physicochemical difference between arginine and tryptophan. This variant is present in population databases (no rsID available, gnomAD 0.005%). This variant has not been reported in the literature in individuals affected with WIPF1-related conditions. Algorithms developed to predict the effect of missense changes on protein structure and function are either unavailable or do not agree on the potential impact of this missense change (SIFT: "Not Available"; PolyPhen-2: "Probably Damaging"; Align-GVGD: "Not Available"). In summary, the available evidence is currently insufficient to determine the role of this variant in disease. Therefore, it has been classified as a Variant of Uncertain Significance.

NM_001375834.1(WIPF1):c.1453C>T (p.Arg485Trp)

Gene: WIPF1 (WAS/WASL interacting protein family member 1; minus strand). Cytogenetic location: 2q31.1.
Variant type: single nucleotide variant.
Coding change: c.1453C>T on transcript NM_001375834.1 (MANE Select); coding-DNA position 1453, C replaced by T.
Protein change: p.Arg485Trp; replaces arginine 485 with tryptophan.
Molecular consequence: missense variant.
Genome position (GRCh38, 1-based): chr2:174,567,073, G>A on the plus strand (C>T on the coding strand, the complement: WIPF1 is on the minus strand). VCF-style: chr2-174567073-G-A. GRCh37 (hg19) VCF-style: chr2-175431801-G-A.
Other names: c.1453C>T, p.Arg485Trp (NM_001077269.1, NM_001375832.1, NM_001375833.1 and 2 more transcripts); c.1075C>T, p.Arg359Trp (NM_001375839.1); short protein forms R359W, R485W.
Identifiers: ClinVar variation 1400723 (VCV001400723.9), dbSNP rs1041727019, ClinGen allele CA60840887.
Genomic context (GRCh38, chr2:174,567,073, plus strand): 5'-AGTGTCACTCAGGCTACTCAAGCGTGAATCTTCAAAAACCTTGGCAGAAATACTCACTCC[G>A]GCTTTCGTTTCTTGCCAGTTTGCTGGGATAACTTTTGGTCGTTTGTACATATGGCTCTGG-3'
Protein context (NP_001362763.1, residues 475-495): YPSKLARNES[Arg485Trp]SGSNRRERGA